The following is an entry in ClinVar:

NM_018906.3(PCDHA3):c.1446G>T (p.Ala482=)

Genes: PCDHA@ (protocadherin alpha cluster, complex locus; plus strand), PCDHA3 (protocadherin alpha 3; plus strand), PCDHA1 (protocadherin alpha 1; plus strand), PCDHA2 (protocadherin alpha 2; plus strand). Cytogenetic location: 5q31.3.
Variant type: single nucleotide variant.
Coding change: c.1446G>T on transcript NM_018906.3 (MANE Select); coding-DNA position 1446, G replaced by T.
Protein change: p.Ala482=; no amino-acid change (alanine 482 retained).
Molecular consequence: synonymous variant. On other transcripts: intron variant (4).
Genome position (GRCh38, 1-based): chr5:140,802,643, G>T. VCF-style: chr5-140802643-G-T. GRCh37 (hg19) VCF-style: chr5-140182228-G-T.
Other names: c.1446G>T, p.Ala482= (NM_031497.2); c.2394+13959G>T (NM_018900.4); c.1602+14751G>T (NM_031411.3); c.2388+5291G>T (NM_018905.3); c.2389-2417G>T (NM_031496.2).
Identifiers: ClinVar variation 3035496 (VCV003035496.2), dbSNP rs151289883, ClinGen allele CA3446508.

ClinVar aggregate classification (germline): Likely benign (0 of 4 stars; one submission).

Conditions:
PCDHA3-related disorder. Also called: PCDHA3-related condition.

Allele frequency attached by ClinVar (database versions not stated): ExAC 0.00019; gnomAD 0.00026; ESP Exome Variant Server 0.00015; TOPMed 0.00030.
gnomAD v4.1: 640 of 1,613,628 alleles (0.04%); highest among the groups gnomAD compares: Non-Finnish European, 0.051%; no homozygotes.

Submission:

PreventionGenetics, part of Exact Sciences
Classification: Likely benign for PCDHA3-related condition. Last evaluated: 2019-04-09. Review status: no assertion criteria provided. Collection method: clinical testing. Allele origin: germline.
Comment: This variant is classified as likely benign based on ACMG/AMP sequence variant interpretation guidelines (Richards et al. 2015 PMID: 25741868, with internal and published modifications).